The following is an entry in ClinVar:

ClinVar aggregate classification (germline): Pathogenic (1 of 4 stars; one submission).

Conditions:
Medium-chain acyl-coenzyme A dehydrogenase deficiency (ACADMD). Also called: ACADM DEFICIENCY; CARNITINE DEFICIENCY SECONDARY TO MEDIUM-CHAIN ACYL-CoA DEHYDROGENASE DEFICIENCY; Medium chain acyl-CoA dehydrogenase deficiency; MCADH DEFICIENCY; MCADD; MCAD Deficiency. Identifiers: Orphanet 42, MedGen C0220710, MONDO:0008721, OMIM 201450.

Submission:

Natera, Inc.
Classification: Pathogenic for Medium Chain Acyl-CoA Dehydrogenase Deficiency. Last evaluated: 2025-08-05. Review status: criteria provided, single submitter. Criteria: Natera Variant Classification Schema (03/2026). Collection method: clinical testing. Allele origin: germline.
Comment: The c.217-1G>C variant in ACADM is a canonical splice acceptor site variant predicted to affect pre-mRNA splicing, which may result in an abnormal transcript and altered protein product. This variant is expected to result in nonsense mediated decay, truncation, or a dysfunctional protein product. This variant is rare in the general population with a frequency below the threshold expected for the associated phenotype(s). This variant has been observed in one or more individuals affected with the associated recessive disease, as either homozygous or compound heterozygous with a second variant (PMID: 15171999). Functional studies show that this variant may disrupt protein function (PMID: 15171999). Given the available evidence, this variant is classified as Pathogenic.

Literature cited by the submitters: PubMed 15171999.

NM_000016.6(ACADM):c.217-1G>C

Gene: ACADM (acyl-CoA dehydrogenase medium chain; plus strand). Cytogenetic location: 1p31.1.
Variant type: single nucleotide variant.
Coding change: c.217-1G>C on transcript NM_000016.6 (MANE Select); the canonical splice acceptor site of the intron before coding-DNA position 217, G replaced by C.
Molecular consequence: splice acceptor variant.
Genome position (GRCh38, 1-based): chr1:75,732,852, G>C. VCF-style: chr1-75732852-G-C. GRCh37 (hg19) VCF-style: chr1-76198537-G-C.
Other names: c.229-1G>C (NM_001127328.3); c.217-1G>C (NM_001286043.2); c.109-1G>C (NM_001286042.2); c.-169-1G>C (NM_001286044.2).
Identifiers: ClinVar variation 4818033 (VCV004818033.1).